The following is an entry in ClinVar:

ClinVar aggregate classification (germline): Likely pathogenic (1 of 4 stars; one submission).

Conditions:
Nephronophthisis. Also called: Juvenile Nephronophthisis. Identifiers: Orphanet 655, MedGen C0687120, MONDO:0019005, HP:0000090.

gnomAD v4.1: 1 of 1,613,430 alleles (0.000062%); highest among the groups gnomAD compares: African/African-American, 0.0013%; no homozygotes.

Submission:

Labcorp Genetics (formerly Invitae), Labcorp
Classification: Likely pathogenic for Nephronophthisis. Last evaluated: 2025-11-08. Review status: criteria provided, single submitter. Criteria: Invitae Variant Classification Sherloc (09022015). Collection method: clinical testing. Allele origin: germline.
Comment: This sequence change affects an acceptor splice site in intron 22 of the NPHP4 gene. It is expected to disrupt RNA splicing. Variants that disrupt the donor or acceptor splice site typically lead to a loss of protein function (PMID: 16199547), and loss-of-function variants in NPHP4 are known to be pathogenic (PMID: 12205563, 23559409). This variant is not present in population databases (gnomAD no frequency). This variant has not been reported in the literature in individuals affected with NPHP4-related conditions. Algorithms developed to predict the effect of sequence changes on RNA splicing suggest that this variant may disrupt the consensus splice site. In summary, the currently available evidence indicates that the variant is pathogenic, but additional data are needed to prove that conclusively. Therefore, this variant has been classified as Likely Pathogenic.

Literature cited by the submitters: PubMed 16199547; PubMed 12205563; PubMed 23559409.

NM_015102.5(NPHP4):c.3232-2A>G

Gene: NPHP4 (nephrocystin 4; minus strand). Cytogenetic location: 1p36.31.
Variant type: single nucleotide variant.
Coding change: c.3232-2A>G on transcript NM_015102.5 (MANE Select); the canonical splice acceptor site of the intron before coding-DNA position 3232, A replaced by G.
Molecular consequence: splice acceptor variant.
Genome position (GRCh38, 1-based): chr1:5,873,337, T>C on the plus strand (A>G on the coding strand, the complement: NPHP4 is on the minus strand). VCF-style: chr1-5873337-T-C. GRCh37 (hg19) VCF-style: chr1-5933397-T-C.
Other names: c.1696-2A>G (NM_001291594.2); c.1693-2A>G (NM_001291593.2).
Identifiers: ClinVar variation 4698700 (VCV004698700.1).